The following is an entry in ClinVar:

ClinVar aggregate classification (germline): Uncertain significance (1 of 4 stars; one submission).

Submission:

GeneDx
Classification: Uncertain significance. Last evaluated: 2024-07-02. Review status: criteria provided, single submitter. Criteria: GeneDx Variant Classification Process June 2021. Collection method: clinical testing. Allele origin: germline. Affected: yes.
Comment: Not observed at significant frequency in large population cohorts (gnomAD); In silico analysis supports that this missense variant has a deleterious effect on protein structure/function; Has not been previously published as pathogenic or benign to our knowledge

NM_001379403.1(WDR26):c.1531C>G (p.Pro511Ala)

Gene: WDR26 (WD repeat domain 26; minus strand). Cytogenetic location: 1q42.12.
Variant type: single nucleotide variant.
Coding change: c.1531C>G on transcript NM_001379403.1 (MANE Select); coding-DNA position 1531, C replaced by G.
Protein change: p.Pro511Ala; replaces proline 511 with alanine.
Molecular consequence: missense variant.
Genome position (GRCh38, 1-based): chr1:224,404,498, G>C on the plus strand (C>G on the coding strand, the complement: WDR26 is on the minus strand). VCF-style: chr1-224404498-G-C. GRCh37 (hg19) VCF-style: chr1-224592200-G-C.
Other names: c.1183C>G, p.Pro395Ala (NM_001115113.3); c.1231C>G, p.Pro411Ala (NM_025160.7); short protein forms P511A, P395A, P411A.
Identifiers: ClinVar variation 3393860 (VCV003393860.1).